The following is an entry in ClinVar:

NM_000987.5(RPL26):c.-5-164C>T

Gene: RPL26 (ribosomal protein L26; minus strand). Cytogenetic location: 17p13.1.
Variant type: single nucleotide variant.
Coding change: c.-5-164C>T on transcript NM_000987.5 (MANE Select); 164 bases into the intron before 5 bases upstream of the start codon, C replaced by T.
Molecular consequence: intron variant.
Genome position (GRCh38, 1-based): chr17:8,382,479, G>A on the plus strand (C>T on the coding strand, the complement: RPL26 is on the minus strand). VCF-style: chr17-8382479-G-A. GRCh37 (hg19) VCF-style: chr17-8285797-G-A.
Other names: c.-5-164C>T (NM_001315531.2, NM_001315530.2).
Identifiers: ClinVar variation 1706867 (VCV001706867.2), dbSNP rs59153671, ClinGen allele CA287570336.
Genomic context (GRCh38, chr17:8,382,479, plus strand): 5'-CAGTGTCATGTTGTGCAACTTCAACAAAAACTGTTTGATCGGAAGGGCCTATCAACCGAA[G>A]CTCGAAACTTTTTATTTTTTGTTTTATTCGGGTGTTTTCTGTATATGTTTACGGACTAAA-3'

ClinVar aggregate classification (germline): Likely benign (1 of 4 stars; one submission).

Allele frequency attached by ClinVar (database versions not stated): gnomAD exomes 0.00122; gnomAD 0.01149; TOPMed 0.01298; 1000 Genomes Project 0.01438; 1000 Genomes Project 30x 0.01608.
gnomAD v4.1: 2,305 of 572,282 alleles (0.4%); highest among the groups gnomAD compares: African/African-American, 3.9%; 38 homozygotes.

Submission:

GeneDx
Classification: Likely benign. Last evaluated: 2021-05-26. Review status: criteria provided, single submitter. Criteria: GeneDx Variant Classification Process June 2021. Collection method: clinical testing. Allele origin: germline. Affected: yes.
Comment: See Variant Classification Assertion Criteria.